The following is an entry in ClinVar:

ClinVar aggregate classification (germline): Uncertain significance (1 of 4 stars; one submission).

Conditions:
Deficiency of alpha-mannosidase (MANSA). Also called: Alpha-Mannosidosis; LYSOSOMAL ALPHA-D-MANNOSIDASE DEFICIENCY; Mannosidosis, alpha-, types I and II. Identifiers: Orphanet 61, MedGen C0024748, MONDO:0009561, OMIM 248500.

Submission:

Labcorp Genetics (formerly Invitae), Labcorp
Classification: Uncertain significance for Deficiency of alpha-mannosidase. Last evaluated: 2022-08-31. Review status: criteria provided, single submitter. Criteria: Invitae Variant Classification Sherloc (09022015). Collection method: clinical testing. Allele origin: germline.
Comment: This variant results in a copy number gain of the genomic region encompassing exon(s) 1-7 of the MAN2B1 gene. This region includes the initiator codon of the gene. This copy number gain extends beyond the assayed region for this gene and therefore may encompass additional genes. As the precise location of this event is unknown, it may be in tandem or it may be located elsewhere in the genome. This variant has not been reported in the literature in individuals affected with MAN2B1-related conditions. In summary, the available evidence is currently insufficient to determine the role of this variant in disease. Therefore, it has been classified as a Variant of Uncertain Significance.

NC_000019.9:g.(?_12772054)_(12777515_?)dup

Gene: MAN2B1 (mannosidase alpha class 2B member 1; minus strand). Cytogenetic location: 19p13.2.
Variant type: Duplication.
Identifiers: ClinVar variation 1510887 (VCV001510887.4).